The following is an entry in ClinVar:

NM_001146.5(ANGPT1):c.4A>G (p.Thr2Ala)

Gene: ANGPT1 (angiopoietin 1; minus strand). Cytogenetic location: 8q23.1.
Variant type: single nucleotide variant.
Coding change: c.4A>G on transcript NM_001146.5 (MANE Select); coding-DNA position 4, A replaced by G.
Protein change: p.Thr2Ala; replaces threonine 2 with alanine.
Molecular consequence: missense variant.
Genome position (GRCh38, 1-based): chr8:107,497,555, T>C on the plus strand (A>G on the coding strand, the complement: ANGPT1 is on the minus strand). VCF-style: chr8-107497555-T-C. GRCh37 (hg19) VCF-style: chr8-108509783-T-C.
Other names: c.4A>G, p.Thr2Ala (NM_001199859.3); short protein forms T2A.
Identifiers: ClinVar variation 1476217 (VCV001476217.6), dbSNP rs2130554437, ClinGen allele CA372035738.

ClinVar aggregate classification (germline): Uncertain significance (1 of 4 stars; one submission).

Submission:

Labcorp Genetics (formerly Invitae), Labcorp
Classification: Uncertain significance. Last evaluated: 2021-11-11. Review status: criteria provided, single submitter. Criteria: Invitae Variant Classification Sherloc (09022015). Collection method: clinical testing. Allele origin: germline.
Comment: In summary, the available evidence is currently insufficient to determine the role of this variant in disease. Therefore, it has been classified as a Variant of Uncertain Significance. Algorithms developed to predict the effect of missense changes on protein structure and function (SIFT, PolyPhen-2, Align-GVGD) all suggest that this variant is likely to be tolerated. This variant has not been reported in the literature in individuals affected with ANGPT1-related conditions. This variant is not present in population databases (gnomAD no frequency). This sequence change replaces threonine, which is neutral and polar, with alanine, which is neutral and non-polar, at codon 2 of the ANGPT1 protein (p.Thr2Ala).